The following is an entry in ClinVar:

ClinVar aggregate classification (germline): Likely benign. Review status: criteria provided, multiple submitters, no conflicts (2 of 4 stars). 2 submissions from 2 submitters: Likely benign (2). Last evaluated 2025-09-28.

Allele frequency attached by ClinVar (database versions not stated): TOPMed 0.00001.
gnomAD v4.1: 3 of 1,614,084 alleles (0.00019%); highest among the groups gnomAD compares: East Asian, 0.0067%; no homozygotes.

Submissions (2):

Labcorp Genetics (formerly Invitae), Labcorp
Classification: Likely benign. Last evaluated: 2025-09-28. Review status: criteria provided, single submitter. Criteria: Invitae Variant Classification Sherloc (09022015). Collection method: clinical testing. Allele origin: germline.

CeGaT Center for Human Genetics Tuebingen
Classification: Likely benign. Last evaluated: 2023-02-01. Review status: criteria provided, single submitter. Criteria: CeGaT Center For Human Genetics Tuebingen Variant Classification Criteria Version 2. Collection method: clinical testing. Allele origin: germline. Affected: yes. Observed: 1 variant allele.
Comment: FAT4: BP4, BP7

NM_001291303.3(FAT4):c.6171A>C (p.Thr2057=)

Gene: FAT4 (FAT atypical cadherin 4; plus strand). Cytogenetic location: 4q28.1.
Variant type: single nucleotide variant.
Coding change: c.6171A>C on transcript NM_001291303.3 (MANE Select); coding-DNA position 6171, A replaced by C.
Protein change: p.Thr2057=; no amino-acid change (threonine 2057 retained).
Molecular consequence: synonymous variant.
Genome position (GRCh38, 1-based): chr4:125,415,134, A>C. VCF-style: chr4-125415134-A-C. GRCh37 (hg19) VCF-style: chr4-126336289-A-C.
Other names: c.6171A>C, p.Thr2057= (NM_001291285.3, NM_024582.6).
Identifiers: ClinVar variation 2655080 (VCV002655080.26), dbSNP rs748908321, ClinGen allele CA441369582.